The following is an entry in ClinVar:

ClinVar aggregate classification (germline): Uncertain significance (1 of 4 stars; one submission).

Conditions:
Retinoblastoma (RB1). Also called: RETINOBLASTOMA, SOMATIC. Identifiers: Orphanet 790, MedGen C0035335, MeSH D012175, MONDO:0008380, OMIM 180200, HP:0009919. Disease mechanism: loss of function. Inheritance: Both sporadic and heritable forms are tested..

Submission:

Labcorp Genetics (formerly Invitae), Labcorp
Classification: Uncertain significance for Retinoblastoma. Last evaluated: 2025-07-19. Review status: criteria provided, single submitter. Criteria: Invitae Variant Classification Sherloc (09022015). Collection method: clinical testing. Allele origin: germline.
Comment: This variant occurs in a non-coding region of the RB1 gene. It does not change the encoded amino acid sequence of the RB1 protein. This variant is not present in population databases (gnomAD no frequency). This variant has not been reported in the literature in individuals affected with RB1-related conditions. In summary, the available evidence is currently insufficient to determine the role of this variant in disease. Therefore, it has been classified as a Variant of Uncertain Significance.

NM_000321.3(RB1):c.-61C>T

Gene: RB1 (RB transcriptional corepressor 1; plus strand). Cytogenetic location: 13q14.2.
Variant type: single nucleotide variant.
Coding change: c.-61C>T on transcript NM_000321.3 (MANE Select); 61 bases upstream of the start codon, C replaced by T.
Molecular consequence: 5 prime UTR variant.
Genome position (GRCh38, 1-based): chr13:48,303,852, C>T. VCF-style: chr13-48303852-C-T. GRCh37 (hg19) VCF-style: chr13-48877988-C-T.
Other names: c.-61C>T (NM_001407165.1, NM_001407166.1, NM_001407167.1).
Identifiers: ClinVar variation 4720536 (VCV004720536.1).
Genomic context (GRCh38, chr13:48,303,852, plus strand): 5'-GACGTTGAAATTATTTTTGTAACGGGAGTCGGGAGAGGACGGGGCGTGCCCCGACGTGCG[C>T]GCGCGTCGTCCTCCCCGGCGCTCCTCCACAGCTCGCTGGCTCCCGCCGCGGAAAGGCGTC-3'